The following is an entry in ClinVar:

NM_004385.5(VCAN):c.8774G>A (p.Gly2925Glu)

Genes: VCAN (versican; plus strand), VCAN-AS1 (VCAN antisense RNA 1; minus strand). Cytogenetic location: 5q14.3.
Variant type: single nucleotide variant.
Coding change: c.8774G>A on transcript NM_004385.5 (MANE Select); coding-DNA position 8774, G replaced by A.
Protein change: p.Gly2925Glu; replaces glycine 2925 with glutamic acid.
Molecular consequence: missense variant. On other transcripts: intron variant (2).
Genome position (GRCh38, 1-based): chr5:83,541,777, G>A. VCF-style: chr5-83541777-G-A. GRCh37 (hg19) VCF-style: chr5-82837596-G-A.
Other names: c.5813G>A, p.Gly1938Glu (NM_001164097.2); c.4004-3760G>A (NM_001164098.2); c.1043-3760G>A (NM_001126336.3); short protein forms G1938E, G2925E.
Identifiers: ClinVar variation 1005261 (VCV001005261.9), dbSNP rs144543963, ClinGen allele CA3333860.

ClinVar aggregate classification (germline): Uncertain significance (1 of 4 stars; one submission).

Allele frequency attached by ClinVar (database versions not stated): gnomAD exomes 0.00001 and 0.00002; ExAC 0.00004; TOPMed 0.00004; gnomAD 0.00006 and 0.00007; ESP Exome Variant Server 0.00015; 1000 Genomes Project 30x 0.00031; 1000 Genomes Project 0.00040.
gnomAD v4.1: 24 of 1,614,064 alleles (0.0015%); highest among the groups gnomAD compares: African/African-American, 0.021%; no homozygotes.

Submission:

Labcorp Genetics (formerly Invitae), Labcorp
Classification: Uncertain significance. Last evaluated: 2025-10-01. Review status: criteria provided, single submitter. Criteria: Invitae Variant Classification Sherloc (09022015). Collection method: clinical testing. Allele origin: germline.
Comment: This sequence change replaces glycine, which is neutral and non-polar, with glutamic acid, which is acidic and polar, at codon 2925 of the VCAN protein (p.Gly2925Glu). This variant is present in population databases (rs144543963, gnomAD 0.04%). This variant has not been reported in the literature in individuals affected with VCAN-related conditions. ClinVar contains an entry for this variant (Variation ID: 1005261). An algorithm developed to predict the effect of missense changes on protein structure and function outputs the following: PolyPhen-2: "Benign". The glutamic acid amino acid residue is found in multiple mammalian species, which suggests that this missense change does not adversely affect protein function. In summary, the available evidence is currently insufficient to determine the role of this variant in disease. Therefore, it has been classified as a Variant of Uncertain Significance.